The following is an entry in ClinVar:

ClinVar aggregate classification (germline): Likely benign (1 of 4 stars; one submission).

Conditions:
Hyaline fibromatosis syndrome (HFS). Also called: Hyalinosis, Inherited Systemic; HYALINOSIS, SYSTEMIC. Identifiers: Orphanet 2028, Orphanet 498474, MedGen C5574677, MONDO:0009229, OMIM 228600.

Allele frequency attached by ClinVar (database versions not stated): 1000 Genomes Project 0.00379; 1000 Genomes Project 30x 0.00500; gnomAD 0.00622 and 0.00686; TOPMed 0.00732.

Submission:

Illumina Laboratory Services, Illumina
Classification: Likely benign for Hyaline fibromatosis syndrome. Last evaluated: 2018-01-12. Review status: criteria provided, single submitter. Criteria: ICSL Variant Classification Criteria 13 December 2019. Collection method: clinical testing. Allele origin: germline.
Comment: This variant was observed in the ICSL laboratory as part of a predisposition screen in an ostensibly healthy population. It had not been previously curated by ICSL or reported in the Human Gene Mutation Database (HGMD: prior to June 1st, 2018), and was therefore a candidate for classification through an automated scoring system. Utilizing variant allele frequency, disease prevalence and penetrance estimates, and inheritance mode, an automated score was calculated to assess if this variant is too frequent to cause the disease. Based on the score and internal cut-off values, a variant classified as likely benign is not then subjected to further curation. The score for this variant resulted in a classification of likely benign for this disease.

NM_058172.6(ANTXR2):c.*2303A>C

Gene: ANTXR2 (ANTXR cell adhesion molecule 2; minus strand). Cytogenetic location: 4q21.21.
Variant type: single nucleotide variant.
Coding change: c.*2303A>C on transcript NM_058172.6 (MANE Select); 2303 bases downstream of the stop codon, A replaced by C.
Molecular consequence: 3 prime UTR variant.
Genome position (GRCh38, 1-based): chr4:79,905,126, T>G on the plus strand (A>C on the coding strand, the complement: ANTXR2 is on the minus strand). VCF-style: chr4-79905126-T-G. GRCh37 (hg19) VCF-style: chr4-80826280-T-G.
Other names: c.*2303A>C (NM_001286780.2, NM_001286781.2).
Identifiers: ClinVar variation 904667 (VCV000904667.4), dbSNP rs115504770, ClinGen allele CA100488402.